The following is an entry in ClinVar:

NM_015331.3(NCSTN):c.782A>G (p.Lys261Arg)

Gene: NCSTN (nicastrin; plus strand). Cytogenetic location: 1q23.2.
Variant type: single nucleotide variant.
Coding change: c.782A>G on transcript NM_015331.3 (MANE Select); coding-DNA position 782, A replaced by G.
Protein change: p.Lys261Arg; replaces lysine 261 with arginine.
Molecular consequence: missense variant. On other transcripts: intron variant (1).
Genome position (GRCh38, 1-based): chr1:160,351,744, A>G. VCF-style: chr1-160351744-A-G. GRCh37 (hg19) VCF-style: chr1-160321534-A-G.
Other names: c.722A>G, p.Lys241Arg (NM_001290184.2); c.782A>G, p.Lys261Arg (NM_001349729.2); c.583-1143A>G (NM_001290186.2); short protein forms K261R, K241R.
Identifiers: ClinVar variation 2720053 (VCV002720053.3), dbSNP rs2525530009, ClinGen allele CA343279150.

ClinVar aggregate classification (germline): Uncertain significance (1 of 4 stars; one submission).

Submission:

Labcorp Genetics (formerly Invitae), Labcorp
Classification: Uncertain significance. Last evaluated: 2023-10-03. Review status: criteria provided, single submitter. Criteria: Invitae Variant Classification Sherloc (09022015). Collection method: clinical testing. Allele origin: germline.
Comment: This sequence change replaces lysine, which is basic and polar, with arginine, which is basic and polar, at codon 261 of the NCSTN protein (p.Lys261Arg). This variant is not present in population databases (gnomAD no frequency). This variant has not been reported in the literature in individuals affected with NCSTN-related conditions. Advanced modeling of protein sequence and biophysical properties (such as structural, functional, and spatial information, amino acid conservation, physicochemical variation, residue mobility, and thermodynamic stability) performed at Invitae indicates that this missense variant is not expected to disrupt NCSTN protein function. In summary, the available evidence is currently insufficient to determine the role of this variant in disease. Therefore, it has been classified as a Variant of Uncertain Significance.